The following is an entry in ClinVar:

NM_014855.3(AP5Z1):c.1260G>A (p.Leu420=)

Gene: AP5Z1 (adaptor related protein complex 5 subunit zeta 1; plus strand). Cytogenetic location: 7p22.1.
Variant type: single nucleotide variant.
Coding change: c.1260G>A on transcript NM_014855.3 (MANE Select); coding-DNA position 1260, G replaced by A.
Protein change: p.Leu420=; no amino-acid change (leucine 420 retained).
Molecular consequence: synonymous variant. On other transcripts: non-coding transcript variant (1).
Genome position (GRCh38, 1-based): chr7:4,786,377, G>A. VCF-style: chr7-4786377-G-A. GRCh37 (hg19) VCF-style: chr7-4826008-G-A.
Other names: c.792G>A, p.Leu264= (NM_001364858.1).
Identifiers: ClinVar variation 2073630 (VCV002073630.8), dbSNP rs368821468, ClinGen allele CA4137701.
Genomic context (GRCh38, chr7:4,786,377, plus strand): 5'-GTTCCACAGCCCCATGCTGGCCTTTGAATTCATCCAGTTCTGCAGGGACAACCTCCACCT[G>A]TTCAGCGGGCACCTCAGCACCCTCAGATTGAGCTTCCCCAACCTCTTTAAGGTATATTTG-3'
Protein context (NP_055670.1, residues 410-430): FIQFCRDNLH[Leu420=]FSGHLSTLRL

ClinVar aggregate classification (germline): Likely benign. Review status: criteria provided, multiple submitters, no conflicts (2 of 4 stars). 2 submissions from 2 submitters: Likely benign (2). Last evaluated 2026-02-01.

Conditions:
Hereditary spastic paraplegia 48. Also called: Spastic paraplegia 48; SPASTIC PARAPLEGIA 48, AUTOSOMAL RECESSIVE. Identifiers: Orphanet 306511, MedGen C3150901, MONDO:0013342, OMIM 613647.

Allele frequency attached by ClinVar (database versions not stated): gnomAD 0.00001; TOPMed 0.00005; ExAC 0.00007; ESP Exome Variant Server 0.00008; 1000 Genomes Project 30x 0.00016.
gnomAD v4.1: 35 of 1,613,940 alleles (0.0022%); highest among the groups gnomAD compares: East Asian, 0.013%; no homozygotes.

Submissions (2):

CeGaT Center for Human Genetics Tuebingen
Classification: Likely benign. Last evaluated: 2026-02-01. Review status: criteria provided, single submitter. Criteria: CeGaT Center For Human Genetics Tuebingen Variant Classification Criteria Version 2. Collection method: clinical testing. Allele origin: germline. Affected: yes. Observed: 1 variant allele.
Comment: AP5Z1: BP4, BP7

Labcorp Genetics (formerly Invitae), Labcorp
Classification: Likely benign for Hereditary spastic paraplegia 48. Last evaluated: 2025-10-22. Review status: criteria provided, single submitter. Criteria: Invitae Variant Classification Sherloc (09022015). Collection method: clinical testing. Allele origin: germline.